The following is an entry in ClinVar:

ClinVar aggregate classification (germline): Uncertain significance. Review status: reviewed by expert panel (3 of 4 stars). 3 submissions from 3 submitters: Uncertain significance (1). 2 of the submissions do not count toward it. Last evaluated 2024-12-06.

Conditions:
Mucopolysaccharidosis type 1. Also called: IDUA deficiency; MPS I; Mucopolysaccharidosis Type I. Identifiers: Orphanet 579, MedGen C0023786, MONDO:0001586.

gnomAD v4.1: 7 of 1,598,030 alleles (0.00044%); highest among the groups gnomAD compares: African/African-American, 0.008%; no homozygotes.

Submissions (3):

ClinGen Lysosomal Storage Disorder Variant Curation Expert Panel
Classification: Uncertain significance for Mucopolysaccharidosis type 1. Last evaluated: 2024-12-06. Review status: reviewed by expert panel. Criteria: ClinGen LSD ACMG Specifications IDUA V1.0.0. Collection method: curation. Allele origin: germline. Inheritance: Autosomal recessive inheritance.
Comment: The NM_000203.5:c.667G>T variant in IDUA is a missense variant predicted to cause substitution of aspartic acid by tyrosine at amino acid 223 (p.Asp223Tyr). To our knowledge, the results of functional assays have not been reported for this variant and this variant has not been reported in the literature in any individuals with MPS1. The highest population minor allele frequency in gnomAD v4.1.0 is 0.00008029 (6/74728 alleles; no homozygotes) in the African / African American population, which is lower than the ClinGen Lysosomal Diseases VCEP’s threshold for PM2_Supporting (<0.00025), meeting this criterion (PM2_Supporting). The computational predictor REVEL gives a score of 0.87 which is above the threshold of 0.773, evidence that correlates with impact to IDUA function at the moderate level (PP3_Moderate). There is a ClinVar entry for this variant (Variation ID: 1406350). In summary, this variant meets the criteria to be classified as a variant of uncertain significance for MPS I based on the ACMG/AMP criteria applied, as specified by the ClinGen Lysosomal Diseases Variant Curation Expert Panel (Specifications Version 1.0.0): PP3_Moderate, PM2_Supporting. (Classification approved by the ClinGen Lysosomal Diseases Variant Curation Expert Panel on December 6, 2024)

Labcorp Genetics (formerly Invitae), Labcorp
Classification: Uncertain significance for Mucopolysaccharidosis type 1. Last evaluated: 2024-06-30. Review status: criteria provided, single submitter. Criteria: Invitae Variant Classification Sherloc (09022015). Collection method: clinical testing. Allele origin: germline. Not counted in ClinVar's aggregate classification.
Comment: This sequence change replaces aspartic acid, which is acidic and polar, with tyrosine, which is neutral and polar, at codon 223 of the IDUA protein (p.Asp223Tyr). This variant is not present in population databases (gnomAD no frequency). This variant has not been reported in the literature in individuals affected with IDUA-related conditions. ClinVar contains an entry for this variant (Variation ID: 1406350). Advanced modeling of protein sequence and biophysical properties (such as structural, functional, and spatial information, amino acid conservation, physicochemical variation, residue mobility, and thermodynamic stability) performed at Invitae indicates that this missense variant is expected to disrupt IDUA protein function with a positive predictive value of 95%. In summary, the available evidence is currently insufficient to determine the role of this variant in disease. Therefore, it has been classified as a Variant of Uncertain Significance.

Revvity Omics, Revvity
Classification: Uncertain significance. Last evaluated: 2022-10-10. Review status: criteria provided, single submitter. Criteria: ACMG Guidelines, 2015. Collection method: clinical testing. Allele origin: germline. Not counted in ClinVar's aggregate classification.

NM_000203.5(IDUA):c.667G>T (p.Asp223Tyr)

Gene: IDUA (alpha-L-iduronidase; plus strand). Cytogenetic location: 4p16.3.
Variant type: single nucleotide variant.
Coding change: c.667G>T on transcript NM_000203.5 (MANE Select); coding-DNA position 667, G replaced by T.
Protein change: p.Asp223Tyr; replaces aspartic acid 223 with tyrosine.
Molecular consequence: missense variant. On other transcripts: non-coding transcript variant (1).
Genome position (GRCh38, 1-based): chr4:1,001,756, G>T. VCF-style: chr4-1001756-G-T. GRCh37 (hg19) VCF-style: chr4-995544-G-T.
Other names: NM_000203.5(IDUA):c.667G>T; p.Asp223Tyr; c.271G>T, p.Asp91Tyr (NM_001363576.1); short protein forms D223Y, D91Y.
Identifiers: ClinVar variation 1406350 (VCV001406350.9), dbSNP rs183347428, ClinGen allele CA91167878.